The following is an entry in ClinVar:

NM_031407.7(HUWE1):c.11633-4C>G

Gene: HUWE1 (HECT, UBA and WWE domain containing E3 ubiquitin protein ligase 1; minus strand). Cytogenetic location: Xp11.22.
Variant type: single nucleotide variant.
Coding change: c.11633-4C>G on transcript NM_031407.7 (MANE Select); 4 bases into the intron before coding-DNA position 11633, C replaced by G.
Molecular consequence: intron variant.
Genome position (GRCh38, 1-based): chrX:53,539,084, G>C on the plus strand (C>G on the coding strand, the complement: HUWE1 is on the minus strand). VCF-style: chrX-53539084-G-C. GRCh37 (hg19) VCF-style: chrX-53566045-G-C.
Identifiers: ClinVar variation 1737398 (VCV001737398.2), dbSNP rs2522391763, ClinGen allele CA2579616792.

ClinVar aggregate classification (germline): Uncertain significance (1 of 4 stars; one submission).

Conditions:
Inborn genetic diseases. Identifiers: MedGen C0950123, MeSH D030342.

Submission:

Ambry Genetics
Classification: Uncertain significance for Inborn genetic diseases. Last evaluated: 2018-12-03. Review status: criteria provided, single submitter. Criteria: Ambry Variant Classification Scheme 2023. Collection method: clinical testing. Allele origin: germline.
Comment: The c.11633-4C>G intronic variant results from a C to G substitution 4 nucleotides upstream from coding exon 73 in the HUWE1 gene. This nucleotide position is poorly conserved in available vertebrate species. Using two different splice site prediction tools, this alteration is predicted by ESEfinder to weaken the efficiency of the native splice acceptor site, but is not predicted to have a deleterious effect on this splice acceptor/donor site by BDGP; however, direct evidence is unavailable. Since supporting evidence is limited at this time, the clinical significance of this alteration remains unclear.